The following is an entry in ClinVar:

NM_178857.6(RP1L1):c.887C>T (p.Thr296Met)

Gene: RP1L1 (RP1 like 1). Cytogenetic location: 8p23.1.
Variant type: single nucleotide variant.
Coding change: c.887C>T on transcript NM_178857.6 (MANE Select); coding-DNA position 887, C replaced by T.
Protein change: p.Thr296Met; replaces threonine 296 with methionine.
Molecular consequence: missense variant.
Genome position (GRCh38, 1-based): chr8:10,613,211, G>A on the plus strand (C>T on the coding strand, the complement: RP1L1 is on the minus strand). VCF-style: chr8-10613211-G-A. GRCh37 (hg19) VCF-style: chr8-10470721-G-A.
Other names: c.887C>T (NM_178857.5); short protein forms T296M.
Identifiers: ClinVar variation 4899413 (VCV004899413.2).

ClinVar aggregate classification (germline): Conflicting classifications of pathogenicity. Review status: criteria provided, conflicting classifications (1 of 4 stars). 2 submissions from 2 submitters: Uncertain significance (1); Likely benign (1). Last evaluated 2026-09-21.

Conditions:
RP1L1-related disorder. Also called: RP1L1-related condition.

gnomAD v4.1: 283 of 1,613,304 alleles (0.018%); highest among the groups gnomAD compares: African/African-American, 0.097%; no homozygotes.

Submissions (2):

PreventionGenetics, part of Exact Sciences
Classification: Uncertain significance for RP1L1-related condition. Last evaluated: 2026-09-21. Review status: criteria provided, single submitter. Criteria: ACMG Guidelines, 2015. Collection method: clinical testing. Allele origin: germline.
Comment: The RP1L1 c.887C>T variant is predicted to result in the amino acid substitution p.Thr296Met. To our knowledge, this variant has not been reported in the literature. This variant is reported in 0.075% of alleles in individuals of African descent in gnomAD, which may be too frequent to be a primary cause of disease. Although we suspect that this variant may be benign, at this time, the clinical significance of this variant is uncertain due to the absence of conclusive functional and genetic evidence.

Blueprint Genetics
Classification: Likely benign. Last evaluated: 2024-07-18. Review status: criteria provided, single submitter. Criteria: ACMG Guidelines, 2015. Collection method: clinical testing. Allele origin: germline.